The following is an entry in ClinVar:

NM_001291415.2(KDM6A):c.2618_2619del (p.Ser873fs)

Gene: KDM6A (lysine demethylase 6A; plus strand). Cytogenetic location: Xp11.3.
Variant type: Deletion.
Coding change: c.2618_2619del on transcript NM_001291415.2 (MANE Select); coding-DNA positions 2618 to 2619, 2 bases deleted (CA; older notation c.2618_2619delCA).
Protein change: p.Ser873fs; shifts the reading frame from serine 873.
Molecular consequence: frameshift variant. On other transcripts: non-coding transcript variant (1).
Genome position (GRCh38, 1-based): chrX:45,070,117-45,070,118, CA deleted. VCF-style (leftmost placement, unchanged base first): chrX-45070116-TCA-T. GRCh37 (hg19) VCF-style: chrX-44929361-TCA-T.
Other names: c.2462_2463delCA (NM_021140.3); c.2483_2484del, p.Ser828fs (NM_001291416.2); c.2327_2328del, p.Ser776fs (NM_001291417.2); c.2225_2226del, p.Ser742fs (NM_001291418.2); c.1574_1575del, p.Ser525fs (NM_001291421.2); c.2462_2463del, p.Ser821fs (NM_021140.4); short protein forms S873fs, S525fs, S742fs, S821fs, S776fs, S828fs.
Identifiers: ClinVar variation 539319 (VCV000539319.1), dbSNP rs1556330304, ClinGen allele CA658799730.

ClinVar aggregate classification (germline): Pathogenic (1 of 4 stars; one submission).

Conditions:
Kabuki syndrome 2 (KABUK2). Also called: KDM6A-Related Kabuki Syndrome. Identifiers: Orphanet 2322, MedGen C3275495, MONDO:0010465, OMIM 300867.

Submission:

Labcorp Genetics (formerly Invitae), Labcorp
Classification: Pathogenic for Kabuki syndrome 2. Last evaluated: 2017-11-14. Review status: criteria provided, single submitter. Criteria: Invitae Variant Classification Sherloc (09022015). Collection method: clinical testing. Allele origin: germline.
Comment: This sequence change creates a premature translational stop signal (p.Ser821Cysfs*13) in the KDM6A gene. It is expected to result in an absent or disrupted protein product. This variant is not present in population databases (ExAC no frequency). This variant has not been reported in the literature in individuals with KDM6A-related disease. Loss-of-function variants in KDM6A are known to be pathogenic (PMID: 23076834). For these reasons, this variant has been classified as Pathogenic.